The following is an entry in ClinVar:

ClinVar aggregate classification (germline): Benign/Likely benign. Review status: criteria provided, multiple submitters, no conflicts (2 of 4 stars). 12 submissions from 12 submitters: Benign (2); Likely benign (7). 3 of the submissions do not count toward it. Last evaluated 2026-08-01.

Conditions:
Hereditary cancer-predisposing syndrome. Also called: Neoplastic Syndromes, Hereditary; Hereditary neoplastic syndrome; Hereditary Cancer Syndrome; Tumor predisposition. Identifiers: Orphanet 140162, MedGen C0027672, MeSH D009386, MONDO:0015356.
MSH3-related disorder. Also called: MSH3-related condition.
Familial adenomatous polyposis 4 (FAP4). Also called: MSH3-related attenuated familial adenomatous polyposis. Identifiers: Orphanet 480536, MedGen C4310719, MONDO:0044300, OMIM 617100.

Allele frequency attached by ClinVar (database versions not stated): 1000 Genomes Project 30x 0.00016; 1000 Genomes Project 0.00020; TOPMed 0.00065; gnomAD exomes 0.00101; ESP Exome Variant Server 0.00115; ExAC 0.00120; gnomAD 0.00135 and 0.00143.
gnomAD v4.1: 1,430 of 1,613,706 alleles (0.089%); highest among the groups gnomAD compares: Non-Finnish European, 0.1%; 3 homozygotes.

Submissions (12):

CeGaT Center for Human Genetics Tuebingen
Classification: Likely benign. Last evaluated: 2026-08-01. Review status: criteria provided, single submitter. Criteria: CeGaT Center For Human Genetics Tuebingen Variant Classification Criteria Version 2. Collection method: clinical testing. Allele origin: germline. Affected: yes. Observed: 36 variant alleles.
Comment: MSH3: BP4, BP7

Labcorp Genetics (formerly Invitae), Labcorp
Classification: Benign. Last evaluated: 2026-02-03. Review status: criteria provided, single submitter. Criteria: Invitae Variant Classification Sherloc (09022015). Collection method: clinical testing. Allele origin: germline.

Quest Diagnostics Nichols Institute San Juan Capistrano
Classification: Benign. Last evaluated: 2025-07-08. Review status: criteria provided, single submitter. Criteria: Quest Diagnostics criteria. Collection method: clinical testing. Allele origin: unknown.

Center for Genomic Medicine, Rigshospitalet, Copenhagen University Hospital
Classification: Likely benign. Last evaluated: 2025-03-04. Review status: criteria provided, single submitter. Criteria: ACMG Guidelines, 2015. Collection method: clinical testing. Allele origin: germline.

Blueprint Genetics
Classification: Likely benign. Last evaluated: 2024-11-19. Review status: criteria provided, single submitter. Criteria: ACMG Guidelines, 2015. Collection method: clinical testing. Allele origin: germline.

Department of Pathology and Laboratory Medicine, Sinai Health System
Classification: Likely benign for Familial adenomatous polyposis 4. Last evaluated: 2024-04-03. Review status: criteria provided, single submitter. Criteria: ACMG Guidelines, 2015. Collection method: clinical testing. Allele origin: germline. Affected: yes.

Institute for Clinical Genetics, University Hospital TU Dresden, University Hospital TU Dresden
Classification: Likely benign. Last evaluated: 2021-11-03. Review status: criteria provided, single submitter. Criteria: ACMG Guidelines, 2015. Collection method: clinical testing. Allele origin: germline.

Sema4
Classification: Likely benign for Hereditary cancer-predisposing syndrome. Last evaluated: 2021-06-24. Review status: criteria provided, single submitter. Criteria: Sema4 Curation Guidelines. Collection method: curation. Allele origin: germline.

Ambry Genetics
Classification: Likely benign for Hereditary cancer-predisposing syndrome. Last evaluated: 2018-11-05. Review status: criteria provided, single submitter. Criteria: Ambry Variant Classification Scheme 2023. Collection method: clinical testing. Allele origin: germline.

PreventionGenetics, part of Exact Sciences
Classification: Likely benign for MSH3-related condition. Last evaluated: 2019-06-21. Review status: no assertion criteria provided. Collection method: clinical testing. Allele origin: germline. Not counted in ClinVar's aggregate classification.
Comment: This variant is classified as likely benign based on ACMG/AMP sequence variant interpretation guidelines (Richards et al. 2015 PMID: 25741868, with internal and published modifications).

Clinical Genetics DNA and cytogenetics Diagnostics Lab, Erasmus MC, Erasmus Medical Center
Classification: Likely benign. Review status: no assertion criteria provided. Collection method: clinical testing. Allele origin: germline. Affected: yes. Study: VKGL Data-share Consensus. Not counted in ClinVar's aggregate classification.

Clinical Genetics Laboratory, Department of Pathology, Netherlands Cancer Institute
Classification: Likely benign. Review status: no assertion criteria provided. Collection method: clinical testing. Allele origin: germline. Affected: yes. Study: VKGL Data-share Consensus. Not counted in ClinVar's aggregate classification.

Literature cited by the submitters: PubMed 31874108 (cited by Quest Diagnostics Nichols Institute San Juan Capistrano).

NM_002439.5(MSH3):c.1992G>A (p.Gln664=)

Gene: MSH3 (mutS homolog 3; plus strand). Cytogenetic location: 5q14.1.
Variant type: single nucleotide variant.
Coding change: c.1992G>A on transcript NM_002439.5 (MANE Select); coding-DNA position 1992, G replaced by A.
Protein change: p.Gln664=; no amino-acid change (glutamine 664 retained).
Molecular consequence: synonymous variant.
Genome position (GRCh38, 1-based): chr5:80,768,028, G>A. VCF-style: chr5-80768028-G-A. GRCh37 (hg19) VCF-style: chr5-80063847-G-A.
Identifiers: ClinVar variation 713891 (VCV000713891.62), dbSNP rs144019582, ClinGen allele CA3328107.
Genomic context (GRCh38, chr5:80,768,028, plus strand): 5'-TTTATATCACCTAAAGTCAGAATTTCAAGCAATAATACCTGCTGTTAATTCCCACATTCA[G>A]TCAGACTTGCTCCGGACCGTTATTTTAGAAATTCCTGAACTCCTCAGTCCAGTGGAGCAT-3'
Protein context (NP_002430.3, residues 654-674): AIIPAVNSHI[Gln664=]SDLLRTVILE